The following is an entry in ClinVar:

NM_004092.4(ECHS1):c.161G>A (p.Arg54His)

Gene: ECHS1 (enoyl-CoA hydratase, short chain 1; minus strand). Cytogenetic location: 10q26.3.
Variant type: single nucleotide variant.
Coding change: c.161G>A on transcript NM_004092.4 (MANE Select); coding-DNA position 161, G replaced by A.
Protein change: p.Arg54His; replaces arginine 54 with histidine.
Molecular consequence: missense variant.
Genome position (GRCh38, 1-based): chr10:133,370,685, C>T on the plus strand (G>A on the coding strand, the complement: ECHS1 is on the minus strand). VCF-style: chr10-133370685-C-T. GRCh37 (hg19) VCF-style: chr10-135184189-C-T.
Other names: short protein forms R54H.
Identifiers: ClinVar variation 802642 (VCV000802642.33), dbSNP rs375266808, ClinGen allele CA5765861.

ClinVar aggregate classification (germline): Pathogenic. Review status: criteria provided, multiple submitters, no conflicts (2 of 4 stars). 5 submissions from 5 submitters: Pathogenic (4). 1 of the submissions does not count toward it. Last evaluated 2025-05-11.

Conditions:
Mitochondrial short-chain Enoyl-Coa hydratase 1 deficiency. Also called: Mitochondrial Short-Chain Enoyl-CoA Hydratase Deficiency; ECHS1 deficiency; PxMD-ECHS1. Identifiers: Orphanet 255241, Orphanet 653880, MedGen C4225391, MONDO:0014563, OMIM 616277.

Allele frequency attached by ClinVar (database versions not stated): gnomAD 0.00002; TOPMed 0.00003; ESP Exome Variant Server 0.00008.
gnomAD v4.1: 42 of 1,613,108 alleles (0.0026%); highest among the groups gnomAD compares: Admixed American, 0.0033%; no homozygotes.

Submissions (5):

Labcorp Genetics (formerly Invitae), Labcorp
Classification: Pathogenic. Last evaluated: 2025-05-11. Review status: criteria provided, single submitter. Criteria: Invitae Variant Classification Sherloc (09022015). Collection method: clinical testing. Allele origin: germline.
Comment: This sequence change replaces arginine, which is basic and polar, with histidine, which is basic and polar, at codon 54 of the ECHS1 protein (p.Arg54His). This variant is present in population databases (rs375266808, gnomAD 0.004%). This missense change has been observed in individual(s) with mitochondrial short-chain enoyl-CoA hydratase 1 deficiency (PMID: 26000322, 32013919). In at least one individual the data is consistent with being in trans (on the opposite chromosome) from a pathogenic variant. ClinVar contains an entry for this variant (Variation ID: 802642). Invitae Evidence Modeling of protein sequence and biophysical properties (such as structural, functional, and spatial information, amino acid conservation, physicochemical variation, residue mobility, and thermodynamic stability) indicates that this missense variant is expected to disrupt ECHS1 protein function with a positive predictive value of 80%. This variant disrupts the p.Arg54 amino acid residue in ECHS1. Other variant(s) that disrupt this residue have been determined to be pathogenic (internal data). This suggests that this residue is clinically significant, and that variants that disrupt this residue are likely to be disease-causing. For these reasons, this variant has been classified as Pathogenic.

GeneDx
Classification: Pathogenic. Last evaluated: 2024-05-17. Review status: criteria provided, single submitter. Criteria: GeneDx Variant Classification Process June 2021. Collection method: clinical testing. Allele origin: germline. Affected: yes.
Comment: Not observed at significant frequency in large population cohorts (gnomAD); In silico analysis supports that this missense variant has a deleterious effect on protein structure/function; This variant is associated with the following publications: (PMID: 26920905, 26099313, 27221955, 29923089, 29882869, 30990720, 31944285, 35598585, 35206276, 35856138, 37377599, 26839416, 28202214, 38168508, 35076175, 36200804, 26000322, 32013919)

Women's Health and Genetics/Laboratory Corporation of America, LabCorp
Classification: Pathogenic for Mitochondrial short-chain Enoyl-Coa hydratase 1 deficiency. Last evaluated: 2023-07-14. Review status: criteria provided, single submitter. Criteria: LabCorp Variant Classification Summary - May 2015. Collection method: clinical testing. Allele origin: germline.
Comment: Variant summary: ECHS1 c.161G>A (p.Arg54His) results in a non-conservative amino acid change in the encoded protein sequence. Five of five in-silico tools predict a damaging effect of the variant on protein function. The variant allele was found at a frequency of 2e-05 in 249762 control chromosomes (gnomAD). c.161G>A has been reported in the literature in multiple bi-allelic individuals affected with Mitochondrial Short-Chain Enoyl-Coa Hydratase 1 Deficiency (examples: Haack_2015, Yang_2020, Francois-Heude_2022, and Ozlu_2022). These data indicate that the variant is very likely to be associated with disease. Other variants affecting the same residue have been classified likely pathogenic in ClinVar (p.Arg54Leu, CV ID 1521152) and reported in homozygous state in an affected individual (p.Arg54Cys, PMID 28832562) indicating this residue may be critical for normal function of the protein. The following publications have been ascertained in the context of this evaluation (PMID: 36200804, 35856138, 32013919, 26000322). Three submitters have cited clinical-significance assessments for this variant to ClinVar after 2014. All submitters classified the variant as pathogenic. Based on the evidence outlined above, the variant was classified as pathogenic.

Mendelics
Classification: Pathogenic for Mitochondrial short-chain Enoyl-Coa hydratase 1 deficiency. Last evaluated: 2019-05-28. Review status: criteria provided, single submitter. Criteria: Mendelics Assertion Criteria 2017. Collection method: clinical testing. Allele origin: unknown.

Istanbul Faculty of Medicine, Istanbul University
Classification: Pathogenic for Mitochondrial short-chain Enoyl-Coa hydratase 1 deficiency. Last evaluated: 2023-01-27. Review status: no assertion criteria provided. Collection method: clinical testing. Allele origin: maternal. Inheritance: Autosomal recessive inheritance. Affected: yes. Observed: 2 variant alleles. Not counted in ClinVar's aggregate classification.

Literature cited by the submitters: PubMed 26000322 (cited by Labcorp Genetics (formerly Invitae), Labcorp and Women's Health and Genetics/Laboratory Corporation of America, LabCorp); PubMed 32013919 (cited by Labcorp Genetics (formerly Invitae), Labcorp and Women's Health and Genetics/Laboratory Corporation of America, LabCorp); PubMed 36200804 (cited by Women's Health and Genetics/Laboratory Corporation of America, LabCorp); PubMed 35856138 (cited by Women's Health and Genetics/Laboratory Corporation of America, LabCorp); PubMed 37377599 (cited by Istanbul Faculty of Medicine, Istanbul University).